The following is an entry in ClinVar:

ClinVar aggregate classification (germline): Uncertain significance (1 of 4 stars; one submission).

Conditions:
DOCK2 deficiency. Also called: Immunodeficiency 40. Identifiers: Orphanet 447737, MedGen C4225328, MONDO:0014637, OMIM 616433.

Submission:

Labcorp Genetics (formerly Invitae), Labcorp
Classification: Uncertain significance for DOCK2 deficiency. Last evaluated: 2022-08-10. Review status: criteria provided, single submitter. Criteria: Invitae Variant Classification Sherloc (09022015). Collection method: clinical testing. Allele origin: germline.
Comment: In summary, the available evidence is currently insufficient to determine the role of this variant in disease. Therefore, it has been classified as a Variant of Uncertain Significance. Algorithms developed to predict the effect of sequence changes on RNA splicing suggest that this variant may create or strengthen a splice site. Experimental studies and prediction algorithms are not available or were not evaluated, and the functional significance of this variant is currently unknown. ClinVar contains an entry for this variant (Variation ID: 1485941). This variant has not been reported in the literature in individuals affected with DOCK2-related conditions. Information on the frequency of this variant in the gnomAD database is not available, as this variant may be reported differently in the database. This variant, c.1149_1150delinsAG, is a complex sequence change that results in the deletion of 2 and insertion of 2 amino acid(s) in the DOCK2 protein (p.Met383_Lys384delinsIleGlu).

NM_004946.3(DOCK2):c.1149_1150delinsAG (p.Met383_Lys384delinsIleGlu)

Gene: DOCK2 (dedicator of cytokinesis 2; plus strand). Cytogenetic location: 5q35.1.
Variant type: Indel.
Coding change: c.1149_1150delinsAG on transcript NM_004946.3 (MANE Select); coding-DNA positions 1149 to 1150, GA replaced by AG.
Protein change: p.Met383_Lys384delinsIleGlu.
Molecular consequence: missense variant. On other transcripts: non-coding transcript variant (1).
Genome position (GRCh38, 1-based): chr5:169,700,030-169,700,031, GA replaced by AG. VCF-style: chr5-169700030-GA-AG. GRCh37 (hg19) VCF-style: chr5-169127034-GA-AG.
Identifiers: ClinVar variation 1485941 (VCV001485941.8), dbSNP rs2113461515, ClinGen allele CA2573139389.